The following is an entry in ClinVar:

ClinVar aggregate classification (germline): Uncertain significance (1 of 4 stars; one submission).

Conditions:
Neuronopathy, distal hereditary motor, type 2B. Also called: HMN IIB; NEURONOPATHY, DISTAL HEREDITARY MOTOR, AUTOSOMAL DOMINANT 3; NEURONOPATHY, DISTAL HEREDITARY MOTOR, HARDING TYPE IIB; NEUROPATHY, DISTAL HEREDITARY MOTOR, HARDING TYPE IIB. Identifiers: Orphanet 139525, MedGen C2608087, MONDO:0012080, OMIM 608634.
Charcot-Marie-Tooth disease axonal type 2F (CMT2F). Also called: CHARCOT-MARIE-TOOTH DISEASE, NEURONAL, TYPE 2F; Charcot-Marie-Tooth Neuropathy Type 2F. Identifiers: Orphanet 99940, MedGen C1847823, MONDO:0011687, OMIM 606595.

gnomAD v4.1: 1 of 1,592,976 alleles (0.000063%); highest among the groups gnomAD compares: East Asian, 0.0023%; no homozygotes.

Submission:

Juno Genomics, Hangzhou Juno Genomics, Inc
Classification: Uncertain significance for Charcot-Marie-Tooth disease axonal type 2F; Neuronopathy, distal hereditary motor, type 2B. Review status: criteria provided, single submitter. Criteria: ACMG Guidelines, 2015. Collection method: clinical testing. Allele origin: germline. Affected: yes.
Comment: Absent from controls (or at extremely low frequency if recessive) in Genome Aggregation Database, Exome Sequencing Project, 1000 Genomes Project, or Exome Aggregation Consortium.;Multiple lines of computational evidence support a deleterious effect on the gene or gene product (conservation, evolutionary, splicing impact, etc).;Patient's phenotype or family history is highly specific for a disease with a single genetic etiology.;The prevalence of the variant in affected individuals is significantly increased compared to the prevalence in controls.

NM_001540.5(HSPB1):c.401T>C (p.Ile134Thr)

Gene: HSPB1 (heat shock protein family B (small) member 1; plus strand). Cytogenetic location: 7q11.23.
Variant type: single nucleotide variant.
Coding change: c.401T>C on transcript NM_001540.5 (MANE Select); coding-DNA position 401, T replaced by C.
Protein change: p.Ile134Thr; replaces isoleucine 134 with threonine.
Molecular consequence: missense variant.
Genome position (GRCh38, 1-based): chr7:76,303,838, T>C. VCF-style: chr7-76303838-T-C. GRCh37 (hg19) VCF-style: chr7-75933155-T-C.
Other names: short protein forms I134T.
Identifiers: ClinVar variation 3382865 (VCV003382865.2).
Genomic context (GRCh38, chr7:76,303,838, plus strand): 5'-CTGATTTCCCTCTTCCCCCCAAAGGCAAGCACGAGGAGCGGCAGGACGAGCATGGCTACA[T>C]CTCCCGGTGCTTCACGCGGAAATACACGTGAGTCCTGGCGCCAGGTCGGGGTGGGTGGGT-3'
Protein context (NP_001531.1, residues 124-144): HEERQDEHGY[Ile134Thr]SRCFTRKYTL